The following is an entry in ClinVar:

NM_001130987.2(DYSF):c.1965C>A (p.Tyr655Ter)

Gene: DYSF (dysferlin; plus strand). Cytogenetic location: 2p13.2.
Variant type: single nucleotide variant.
Coding change: c.1965C>A on transcript NM_001130987.2 (MANE Select); coding-DNA position 1965, C replaced by A.
Protein change: p.Tyr655Ter; replaces tyrosine 655 with a stop codon.
Molecular consequence: nonsense.
Genome position (GRCh38, 1-based): chr2:71,553,169, C>A. VCF-style: chr2-71553169-C-A. GRCh37 (hg19) VCF-style: chr2-71780299-C-A.
Other names: c.1914C>A, p.Tyr638Ter (NM_001130455.2, NM_001130983.2); c.1869C>A, p.Tyr623Ter (NM_001130976.2, NM_001130977.2); c.1911C>A, p.Tyr637Ter (NM_001130978.2, NM_003494.4); c.2004C>A, p.Tyr668Ter (NM_001130979.2); c.1962C>A, p.Tyr654Ter (NM_001130980.2, NM_001130981.2); c.2007C>A, p.Tyr669Ter (NM_001130982.2); c.1872C>A, p.Tyr624Ter (NM_001130984.2, NM_001130986.2); c.1965C>A, p.Tyr655Ter (NM_001130985.2); short protein forms Y624*, Y654*, Y655*, Y669*, Y623*, Y638*, Y668*, Y637*.
Identifiers: ClinVar variation 837580 (VCV000837580.11), dbSNP rs759841019, ClinGen allele CA347218736.

ClinVar aggregate classification (germline): Pathogenic. Review status: criteria provided, multiple submitters, no conflicts (2 of 4 stars). 3 submissions from 3 submitters: Pathogenic (3). Last evaluated 2025-01-06.

Conditions:
Distal myopathy with anterior tibial onset. Identifiers: Orphanet 178400, MedGen C1847532, MONDO:0011721, OMIM 606768.
Miyoshi muscular dystrophy 1 (MMD1). Identifiers: Orphanet 45448, MedGen C4551973, MONDO:0024545, OMIM 254130.
Autosomal recessive limb-girdle muscular dystrophy type 2B (LGMDR2). Also called: Limb-Girdle Muscular Dystrophy Type 2B (LGMD2B); MUSCULAR DYSTROPHY, LIMB-GIRDLE, TYPE 3; Limb-girdle muscular dystrophy, type 2B; MUSCULAR DYSTROPHY, LIMB-GIRDLE, AUTOSOMAL RECESSIVE 2. Identifiers: Orphanet 268, MedGen C1850889, MONDO:0009676, OMIM 253601.
Neuromuscular disease caused by qualitative or quantitative defects of dysferlin. Also called: Dysferlinopathy; Qualitative or quantitative defects of dysferlin. Identifiers: Orphanet 207073, MedGen C2931687, MONDO:0016145.

gnomAD v4.1: 2 of 1,614,132 alleles (0.00012%); highest among the groups gnomAD compares: Non-Finnish European, 0.00017%; no homozygotes.

Submissions (3):

Labcorp Genetics (formerly Invitae), Labcorp
Classification: Pathogenic for Neuromuscular disease caused by qualitative or quantitative defects of dysferlin. Last evaluated: 2025-01-06. Review status: criteria provided, single submitter. Criteria: Invitae Variant Classification Sherloc (09022015). Collection method: clinical testing. Allele origin: germline.
Comment: This sequence change creates a premature translational stop signal (p.Tyr637*) in the DYSF gene. It is expected to result in an absent or disrupted protein product. Loss-of-function variants in DYSF are known to be pathogenic (PMID: 17698709, 20301480). This variant is not present in population databases (gnomAD no frequency). This premature translational stop signal has been observed in individual(s) with limb-girdle muscular dystrophy (PMID: 17994539). ClinVar contains an entry for this variant (Variation ID: 837580). For these reasons, this variant has been classified as Pathogenic.

Natera, Inc.
Classification: Pathogenic for Limb-girdle muscular dystrophy type 2B. Last evaluated: 2024-03-11. Review status: criteria provided, single submitter. Criteria: Natera Variant Classification Schema (03/2026). Collection method: clinical testing. Allele origin: germline.
Comment: The c.1911C>A variant in DYSF is a nonsense variant predicted to introduce a stop codon at amino acid 637. This variant is expected to result in nonsense mediated decay, truncation, or a dysfunctional protein product. This variant is rare in the general population with a frequency below the threshold expected for the associated phenotype(s). This variant has been observed in one or more individuals affected with the associated recessive disease, as either homozygous or compound heterozygous with a second variant (PMID: 17994539, 26404900). Given the available evidence, this variant is classified as Pathogenic.

Fulgent Genetics
Classification: Pathogenic for Autosomal recessive limb-girdle muscular dystrophy type 2B; Miyoshi muscular dystrophy 1; Distal myopathy with anterior tibial onset. Last evaluated: 2024-02-21. Review status: criteria provided, single submitter. Criteria: ACMG Guidelines, 2015. Collection method: clinical testing. Allele origin: germline.

Literature cited by the submitters: PubMed 17698709 (cited by Labcorp Genetics (formerly Invitae), Labcorp); PubMed 20301480 (cited by Labcorp Genetics (formerly Invitae), Labcorp); PubMed 17994539 (cited by Labcorp Genetics (formerly Invitae), Labcorp and Natera, Inc.); PubMed 26404900 (cited by Natera, Inc.).